The following is an entry in ClinVar:

ClinVar aggregate classification (germline): Uncertain significance (1 of 4 stars; one submission).

Submission:

GeneDx
Classification: Uncertain significance. Last evaluated: 2025-07-05. Review status: criteria provided, single submitter. Criteria: GeneDx Variant Classification Process June 2021. Collection method: clinical testing. Allele origin: germline.
Comment: Not observed at significant frequency in large population cohorts (gnomAD); In silico analysis supports that this missense variant has a deleterious effect on protein structure/function; Has not been previously published as pathogenic or benign to our knowledge

NM_005932.4(MIPEP):c.971T>G (p.Leu324Arg)

Gene: MIPEP (mitochondrial intermediate peptidase; minus strand). Cytogenetic location: 13q12.12.
Variant type: single nucleotide variant.
Coding change: c.971T>G on transcript NM_005932.4 (MANE Select); coding-DNA position 971, T replaced by G.
Protein change: p.Leu324Arg; replaces leucine 324 with arginine.
Molecular consequence: missense variant.
Genome position (GRCh38, 1-based): chr13:23,864,162, A>C on the plus strand (T>G on the coding strand, the complement: MIPEP is on the minus strand). VCF-style: chr13-23864162-A-C. GRCh37 (hg19) VCF-style: chr13-24438301-A-C.
Other names: short protein forms L324R.
Identifiers: ClinVar variation 3364817 (VCV003364817.2).
Genomic context (GRCh38, chr13:23,864,162, plus strand): 5'-CATATAACCAAAAAACTAAATAGTAGAATAAAAACTAACCTTTCAGAAAGTTTGTCAGAT[A>C]GTTTTTCAAGGAACTGCATGACAGTCTCTAAAACGAAATCCAAAAGAAAATATCTTCAAT-3'
Protein context (NP_005923.3, residues 314-334): PETVMQFLEK[Leu324Arg]SDKLSERTLK